The following is an entry in ClinVar:

NM_000463.3(UGT1A1):c.977T>A (p.Leu326Ter)

Genes: UGT1A (UDP glucuronosyltransferase family 1 member A complex locus; plus strand), UGT1A1 (UDP glucuronosyltransferase family 1 member A1; plus strand), UGT1A10 (UDP glucuronosyltransferase family 1 member A10; plus strand), UGT1A3 (UDP glucuronosyltransferase family 1 member A3; plus strand), UGT1A4 (UDP glucuronosyltransferase family 1 member A4; plus strand) and 5 more. Cytogenetic location: 2q37.1.
Variant type: single nucleotide variant.
Coding change: c.977T>A on transcript NM_000463.3 (MANE Select); coding-DNA position 977, T replaced by A.
Protein change: p.Leu326Ter; replaces leucine 326 with a stop codon.
Molecular consequence: nonsense.
Genome position (GRCh38, 1-based): chr2:233,767,146, T>A. VCF-style: chr2-233767146-T-A. GRCh37 (hg19) VCF-style: chr2-234675792-T-A.
Other names: c.968T>A, p.Leu323Ter (NM_019075.4, NM_019076.5, NM_019077.3 and 1 more transcripts); c.974T>A, p.Leu325Ter (NM_001072.4); c.173T>A, p.Leu58Ter (NM_205862.3); c.980T>A, p.Leu327Ter (NM_019078.2, NM_007120.3, NM_019093.4); short protein forms L325*, L327*, L323*, L326*, L58*.
Identifiers: ClinVar variation 1459340 (VCV001459340.6), dbSNP rs372326047, ClinGen allele CA2179934.
Genomic context (GRCh38, chr2:233,767,146, plus strand): 5'-CTTTGGGATCAATGGTCTCAGAAATTCCAGAGAAGAAAGCTATGGCAATTGCTGATGCTT[T>A]GGGCAAAATCCCTCAGACAGTAAGAAGATTCTATACCATGGCCTCATATCTATTTTCACA-3'

ClinVar aggregate classification (germline): Pathogenic (1 of 4 stars; one submission).

Allele frequency attached by ClinVar (database versions not stated): gnomAD exomes below 0.00001; ExAC 0.00001; ESP Exome Variant Server 0.00008.
gnomAD v4.1: 2 of 1,614,014 alleles (0.00012%); highest among the groups gnomAD compares: African/African-American, 0.0027%; no homozygotes.

Submission:

Labcorp Genetics (formerly Invitae), Labcorp
Classification: Pathogenic. Last evaluated: 2021-12-02. Review status: criteria provided, single submitter. Criteria: Invitae Variant Classification Sherloc (09022015). Collection method: clinical testing. Allele origin: germline.
Comment: For these reasons, this variant has been classified as Pathogenic. Algorithms developed to predict the effect of sequence changes on RNA splicing suggest that this variant may create or strengthen a splice site. This premature translational stop signal has been observed in individual(s) with hyperbilirubinemia (PMID: 23290513). This variant is not present in population databases (gnomAD no frequency). This sequence change creates a premature translational stop signal (p.Leu326*) in the UGT1A1 gene. It is expected to result in an absent or disrupted protein product. Loss-of-function variants in UGT1A1 are known to be pathogenic (PMID: 23290513).

Literature cited by the submitters: PubMed 23290513.